The following is an entry in ClinVar:

NM_025233.7(COASY):c.23T>G (p.Leu8Arg)

Genes: COASY (Coenzyme A synthase; plus strand), LOC130060908 (ATAC-STARR-seq lymphoblastoid active region 12207; plus strand). Cytogenetic location: 17q21.2.
Variant type: single nucleotide variant.
Coding change: c.23T>G on transcript NM_025233.7 (MANE Select); coding-DNA position 23, T replaced by G.
Protein change: p.Leu8Arg; replaces leucine 8 with arginine.
Molecular consequence: missense variant.
Genome position (GRCh38, 1-based): chr17:42,562,645, T>G. VCF-style: chr17-42562645-T-G. GRCh37 (hg19) VCF-style: chr17-40714663-T-G.
Other names: c.23T>G, p.Leu8Arg (NM_001042529.3); c.110T>G, p.Leu37Arg (NM_001042532.4); short protein forms L37R, L8R.
Identifiers: ClinVar variation 2429658 (VCV002429658.1), dbSNP rs2092981161, ClinGen allele CA399616393.

ClinVar aggregate classification (germline): Uncertain significance (1 of 4 stars; one submission).

Allele frequency attached by ClinVar (database versions not stated): gnomAD 0.00001.
gnomAD v4.1: 1 of 1,521,808 alleles (0.000066%); highest among the groups gnomAD compares: African/African-American, 0.0014%; no homozygotes.

Submission:

GeneDx
Classification: Uncertain significance. Last evaluated: 2022-08-10. Review status: criteria provided, single submitter. Criteria: GeneDx Variant Classification Process June 2021. Collection method: clinical testing. Allele origin: germline. Affected: yes.
Comment: Not observed at significant frequency in large population cohorts (gnomAD); In silico analysis supports that this missense variant has a deleterious effect on protein structure/function; Has not been previously published as pathogenic or benign to our knowledge